The following is an entry in ClinVar:

NM_002529.4(NTRK1):c.740T>C (p.Leu247Pro)

Gene: NTRK1 (neurotrophic receptor tyrosine kinase 1; plus strand). Cytogenetic location: 1q23.1.
Variant type: single nucleotide variant.
Coding change: c.740T>C on transcript NM_002529.4 (MANE Select); coding-DNA position 740, T replaced by C.
Protein change: p.Leu247Pro; replaces leucine 247 with proline.
Molecular consequence: missense variant.
Genome position (GRCh38, 1-based): chr1:156,871,645, T>C. VCF-style: chr1-156871645-T-C. GRCh37 (hg19) VCF-style: chr1-156841437-T-C.
Other names: c.740T>C, p.Leu247Pro (NM_001007204.1, NM_001012331.2); c.650T>C, p.Leu217Pro (NM_001007792.1); short protein forms L217P, L247P.
Identifiers: ClinVar variation 1939403 (VCV001939403.2), dbSNP rs1265775208, ClinGen allele CA342935059.
Genomic context (GRCh38, chr1:156,871,645, plus strand): 5'-AAGCTCCTTCTTATTCCCCCCTCTCTTTCCTGATCTAGAAATCTGGGGGTCTGCCATCCC[T>C]GGGGCTGACCCTGGCCAATGTCACCAGTGACCTCAACAGGAAGAACGTGACGTGCTGGGC-3'
Protein context (NP_002520.2, residues 237-257): TVMKSGGLPS[Leu247Pro]GLTLANVTSD

ClinVar aggregate classification (germline): Uncertain significance (1 of 4 stars; one submission).

Conditions:
Hereditary insensitivity to pain with anhidrosis (CIPA). Also called: hereditary sensory and autonomic neuropathy type 4; NEUROPATHY, CONGENITAL SENSORY, WITH ANHIDROSIS; FAMILIAL DYSAUTONOMIA, TYPE II; INSENSITIVITY TO PAIN, CONGENITAL, WITH ANHIDROSIS; HSAN Type IV; NTRK1 Congenital Insensitivity to Pain with Anhidrosis. Identifiers: Orphanet 642, MedGen C0020074, MONDO:0009746, OMIM 256800.

Allele frequency attached by ClinVar (database versions not stated): gnomAD exomes below 0.00001; TOPMed below 0.00001.
gnomAD v4.1: 2 of 1,614,034 alleles (0.00012%); highest among the groups gnomAD compares: Non-Finnish European, 0.000085%; no homozygotes.

Submission:

Labcorp Genetics (formerly Invitae), Labcorp
Classification: Uncertain significance for Hereditary insensitivity to pain with anhidrosis. Last evaluated: 2022-07-05. Review status: criteria provided, single submitter. Criteria: Invitae Variant Classification Sherloc (09022015). Collection method: clinical testing. Allele origin: germline.
Comment: This sequence change replaces leucine, which is neutral and non-polar, with proline, which is neutral and non-polar, at codon 247 of the NTRK1 protein (p.Leu247Pro). This variant is not present in population databases (gnomAD no frequency). This variant has not been reported in the literature in individuals affected with NTRK1-related conditions. Advanced modeling of protein sequence and biophysical properties (such as structural, functional, and spatial information, amino acid conservation, physicochemical variation, residue mobility, and thermodynamic stability) performed at Invitae indicates that this missense variant is not expected to disrupt NTRK1 protein function. In summary, the available evidence is currently insufficient to determine the role of this variant in disease. Therefore, it has been classified as a Variant of Uncertain Significance.